The following is an entry in ClinVar:

NM_004370.6(COL12A1):c.8989C>T (p.Arg2997Trp)

Gene: COL12A1 (collagen type XII alpha 1 chain; minus strand). Cytogenetic location: 6q13.
Variant type: single nucleotide variant.
Coding change: c.8989C>T on transcript NM_004370.6 (MANE Select); coding-DNA position 8989, C replaced by T.
Protein change: p.Arg2997Trp; replaces arginine 2997 with tryptophan.
Molecular consequence: missense variant.
Genome position (GRCh38, 1-based): chr6:75,089,127, G>A on the plus strand (C>T on the coding strand, the complement: COL12A1 is on the minus strand). VCF-style: chr6-75089127-G-A. GRCh37 (hg19) VCF-style: chr6-75798843-G-A.
Other names: c.5497C>T, p.Arg1833Trp (NM_080645.3); c.8989C>T (NM_004370.5); short protein forms R1833W, R2997W.
Identifiers: ClinVar variation 929449 (VCV000929449.9), dbSNP rs757075255, ClinGen allele CA3892058.

ClinVar aggregate classification (germline): Conflicting classifications of pathogenicity. Review status: criteria provided, conflicting classifications (1 of 4 stars). 4 submissions from 4 submitters: Uncertain significance (3); Likely benign (1). Last evaluated 2025-09-03.

Conditions:
Ullrich congenital muscular dystrophy 2 (UCMD2). Identifiers: Orphanet 75840, MedGen C4225314, MONDO:0014654, OMIM 616470.
Bethlem myopathy 2 (BTHLM2). Identifiers: Orphanet 536516, Orphanet 610, MedGen C4225313, MONDO:0034022, OMIM 616471.

Allele frequency attached by ClinVar (database versions not stated): gnomAD exomes 0.00002 and 0.00003; TOPMed 0.00002; gnomAD 0.00003 and 0.00002; 1000 Genomes Project 30x 0.00016; ExAC 0.00002.
gnomAD v4.1: 46 of 1,611,162 alleles (0.0029%); highest among the groups gnomAD compares: Non-Finnish European, 0.0036%; no homozygotes.

Submissions (4):

Labcorp Genetics (formerly Invitae), Labcorp
Classification: Likely benign for Bethlem myopathy 2; Ullrich congenital muscular dystrophy 2. Last evaluated: 2025-09-03. Review status: criteria provided, single submitter. Criteria: Invitae Variant Classification Sherloc (09022015). Collection method: clinical testing. Allele origin: germline.

Revvity Omics, Revvity
Classification: Uncertain significance. Last evaluated: 2024-02-26. Review status: criteria provided, single submitter. Criteria: ACMG Guidelines, 2015. Collection method: clinical testing. Allele origin: germline.

GeneDx
Classification: Uncertain significance. Last evaluated: 2021-07-13. Review status: criteria provided, single submitter. Criteria: GeneDx Variant Classification Process June 2021. Collection method: clinical testing. Allele origin: germline. Affected: yes.
Comment: In silico analysis supports that this missense variant has a deleterious effect on protein structure/function; Has not been previously published as pathogenic or benign to our knowledge; This variant is associated with the following publications: (PMID: 27535533)

HudsonAlpha Institute for Biotechnology
Classification: Uncertain significance for Ullrich congenital muscular dystrophy 2. Last evaluated: 2020-04-02. Review status: criteria provided, single submitter. Criteria: ACMG Guidelines, 2015. Collection method: research. Allele origin: paternal. Affected: yes. Observed: 1 variant allele. Study: CSER-SouthSeq.
Comment: ACMG codes: PM2, PP3